The following is an entry in ClinVar:

NM_007074.4(CORO1A):c.1097C>A (p.Pro366His)

Gene: CORO1A (coronin 1A; plus strand). Cytogenetic location: 16p11.2.
Variant type: single nucleotide variant.
Coding change: c.1097C>A on transcript NM_007074.4 (MANE Select); coding-DNA position 1097, C replaced by A.
Protein change: p.Pro366His; replaces proline 366 with histidine.
Molecular consequence: missense variant.
Genome position (GRCh38, 1-based): chr16:30,188,392, C>A. VCF-style: chr16-30188392-C-A. GRCh37 (hg19) VCF-style: chr16-30199713-C-A.
Other names: c.1097C>A, p.Pro366His (NM_001193333.3); short protein forms P366H.
Identifiers: ClinVar variation 541422 (VCV000541422.40), dbSNP rs150857828, ClinGen allele CA8003396.
Genomic context (GRCh38, chr16:30,188,392, plus strand): 5'-TTCCTCACTATCCCTGGCCTTGCCCACAGTCGGACCTGTTCCAGGAGGACCTGTACCCAC[C>A]CACCGCAGGGCCCGACCCTGCCCTCACGGCTGAGGAGTGGCTGGGGGGTCGGGATGCTGG-3'
Protein context (NP_009005.1, residues 356-376): SDLFQEDLYP[Pro366His]TAGPDPALTA

ClinVar aggregate classification (germline): Benign/Likely benign. Review status: criteria provided, multiple submitters, no conflicts (2 of 4 stars). 7 submissions from 7 submitters: Benign (1); Likely benign (3). 3 of the submissions do not count toward it. Last evaluated 2026-02-02.

Conditions:
CORO1A-related disorder. Also called: CORO1A-related condition.
Severe combined immunodeficiency due to CORO1A deficiency. Also called: Immunodeficiency 8; IMMUNODEFICIENCY 8 WITH LYMPHOPROLIFERATION. Identifiers: Orphanet 228003, MedGen C3809383, MONDO:0014168, OMIM 615401.

Allele frequency attached by ClinVar (database versions not stated): 1000 Genomes Project 30x 0.00109; 1000 Genomes Project 0.00120; TOPMed 0.00240; gnomAD 0.00255 and 0.00265; ExAC 0.00289; gnomAD exomes 0.00298 and 0.00301; ESP Exome Variant Server 0.00339.
gnomAD v4.1: 4,767 of 1,613,852 alleles (0.3%); highest among the groups gnomAD compares: Non-Finnish European, 0.31%; 14 homozygotes.

Submissions (7):

Labcorp Genetics (formerly Invitae), Labcorp
Classification: Benign for Severe combined immunodeficiency due to CORO1A deficiency. Last evaluated: 2026-02-02. Review status: criteria provided, single submitter. Criteria: Invitae Variant Classification Sherloc (09022015). Collection method: clinical testing. Allele origin: germline.

Blueprint Genetics
Classification: Likely benign. Last evaluated: 2024-11-25. Review status: criteria provided, single submitter. Criteria: ACMG Guidelines, 2015. Collection method: clinical testing. Allele origin: germline.

CeGaT Center for Human Genetics Tuebingen
Classification: Likely benign. Last evaluated: 2023-03-01. Review status: criteria provided, single submitter. Criteria: CeGaT Center For Human Genetics Tuebingen Variant Classification Criteria Version 2. Collection method: clinical testing. Allele origin: germline. Affected: yes. Observed: 4 variant alleles.
Comment: CORO1A: BS2

Fulgent Genetics
Classification: Likely benign for Severe combined immunodeficiency due to CORO1A deficiency. Last evaluated: 2021-12-10. Review status: criteria provided, single submitter. Criteria: ACMG Guidelines, 2015. Collection method: clinical testing. Allele origin: unknown.

PreventionGenetics, part of Exact Sciences
Classification: Likely benign for CORO1A-related condition. Last evaluated: 2019-10-29. Review status: no assertion criteria provided. Collection method: clinical testing. Allele origin: germline. Not counted in ClinVar's aggregate classification.
Comment: This variant is classified as likely benign based on ACMG/AMP sequence variant interpretation guidelines (Richards et al. 2015 PMID: 25741868, with internal and published modifications).

Clinical Genetics DNA and cytogenetics Diagnostics Lab, Erasmus MC, Erasmus Medical Center
Classification: Likely benign. Review status: no assertion criteria provided. Collection method: clinical testing. Allele origin: germline. Affected: yes. Study: VKGL Data-share Consensus. Not counted in ClinVar's aggregate classification.

Genome Diagnostics Laboratory, University Medical Center Utrecht
Classification: Likely benign. Review status: no assertion criteria provided. Collection method: clinical testing. Allele origin: germline. Affected: yes. Study: VKGL Data-share Consensus. Not counted in ClinVar's aggregate classification.